The following is an entry in ClinVar:

NM_002049.4(GATA1):c.1168C>G (p.Pro390Ala)

Gene: GATA1 (GATA binding protein 1; plus strand). Cytogenetic location: Xp11.23.
Variant type: single nucleotide variant.
Coding change: c.1168C>G on transcript NM_002049.4 (MANE Select); coding-DNA position 1168, C replaced by G.
Protein change: p.Pro390Ala; replaces proline 390 with alanine.
Molecular consequence: missense variant.
Genome position (GRCh38, 1-based): chrX:48,794,090, C>G. VCF-style: chrX-48794090-C-G. GRCh37 (hg19) VCF-style: chrX-48652497-C-G.
Other names: short protein forms P390A.
Identifiers: ClinVar variation 2954514 (VCV002954514.3), dbSNP rs372777182, ClinGen allele CA10404707.
Genomic context (GRCh38, chrX:48,794,090, plus strand): 5'-GTGGTGCTGTCAGGGCCTGTTAGCCACCTCATGCCTTTCCCTGGACCCCTACTGGGCTCA[C>G]CCACGGGCTCCTTCCCCACAGGCCCCATGCCCCCCACCACCAGCACTACTGTGGTGGCTC-3'
Protein context (NP_002040.1, residues 380-400): MPFPGPLLGS[Pro390Ala]TGSFPTGPMP

ClinVar aggregate classification (germline): Uncertain significance (1 of 4 stars; one submission).

Conditions:
Diamond-Blackfan anemia. Also called: Blackfan Diamond syndrome; Aregenerative anemia chronic congenital; Red cell aplasia, pure hereditary; Congenital hypoplastic anemia; Aase syndrome. Identifiers: Orphanet 124, MedGen C1260899, MeSH D029503, MONDO:0015253, HP:0004810.
GATA binding protein 1 related thrombocytopenia with dyserythropoiesis. Also called: GATA1-Related Cytopenia; GATA1-Related X-Linked Cytopenia. Identifiers: MedGen C1845837, MONDO:0100089.

Allele frequency attached by ClinVar (database versions not stated): ExAC 0.00001; gnomAD 0.00001; TOPMed 0.00001; ESP Exome Variant Server 0.00009.
gnomAD v4.1: 1 of 1,198,486 alleles (0.000083%); highest among the groups gnomAD compares: African/African-American, 0.0018%; no homozygotes.

Submission:

Labcorp Genetics (formerly Invitae), Labcorp
Classification: Uncertain significance for GATA binding protein 1 related thrombocytopenia with dyserythropoiesis; Diamond-Blackfan anemia. Last evaluated: 2024-02-20. Review status: criteria provided, single submitter. Criteria: Invitae Variant Classification Sherloc (09022015). Collection method: clinical testing. Allele origin: germline.
Comment: This sequence change replaces proline, which is neutral and non-polar, with alanine, which is neutral and non-polar, at codon 390 of the GATA1 protein (p.Pro390Ala). This variant is present in population databases (rs372777182, gnomAD 0.008%). This variant has not been reported in the literature in individuals affected with GATA1-related conditions. An algorithm developed to predict the effect of missense changes on protein structure and function (PolyPhen-2) suggests that this variant is likely to be tolerated. In summary, the available evidence is currently insufficient to determine the role of this variant in disease. Therefore, it has been classified as a Variant of Uncertain Significance.